The following is an entry in ClinVar:

ClinVar aggregate classification (germline): Likely pathogenic (1 of 4 stars; one submission).

Conditions:
Parathyroid carcinoma (PRTC). Also called: Parathyroid gland carcinoma; CDC73-Related Parathyroid Carcinoma. Identifiers: Orphanet 143, MedGen C0687150, MONDO:0012004, OMIM 608266, HP:0006780.

Submission:

Labcorp Genetics (formerly Invitae), Labcorp
Classification: Likely pathogenic for Parathyroid carcinoma. Last evaluated: 2023-09-08. Review status: criteria provided, single submitter. Criteria: Invitae Variant Classification Sherloc (09022015). Collection method: clinical testing. Allele origin: unknown.
Comment: This variant results in a copy number gain of the genomic region encompassing exon(s) 4-10 of the CDC73 gene. While the exact position of this variant cannot be determined from the data, sub-genic copy number gains are generally in tandem (PMID: 25640679). This variant is predicted to be out-of-frame, and may result in an absent or disrupted protein product. Loss-of-function variants in CDC73 are known to be pathogenic (PMID: 12434154). This variant has not been reported in the literature in individuals affected with CDC73-related conditions. In summary, the currently available evidence indicates that the variant is pathogenic, but additional data are needed to prove that conclusively. Therefore, this variant has been classified as Likely Pathogenic.

Literature cited by the submitters: PubMed 25640679; PubMed 12434154.

NC_000001.10:g.(?_193104511)_(193121584_?)dup

Gene: CDC73 (cell division cycle 73; plus strand). Cytogenetic location: 1q31.2.
Variant type: Duplication.
Identifiers: ClinVar variation 3247706 (VCV003247706.1).